The following is an entry in ClinVar:

ClinVar aggregate classification (germline): Uncertain significance (1 of 4 stars; one submission).

Allele frequency attached by ClinVar (database versions not stated): gnomAD exomes below 0.00001; gnomAD 0.00001.

Submission:

Labcorp Genetics (formerly Invitae), Labcorp
Classification: Uncertain significance. Last evaluated: 2025-01-06. Review status: criteria provided, single submitter. Criteria: Invitae Variant Classification Sherloc (09022015). Collection method: clinical testing. Allele origin: germline.
Comment: This sequence change replaces methionine, which is neutral and non-polar, with threonine, which is neutral and polar, at codon 1072 of the RBP3 protein (p.Met1072Thr). This variant is present in population databases (no rsID available, gnomAD 0.1%). This variant has not been reported in the literature in individuals affected with RBP3-related conditions. ClinVar contains an entry for this variant (Variation ID: 1713787). Invitae Evidence Modeling of protein sequence and biophysical properties (such as structural, functional, and spatial information, amino acid conservation, physicochemical variation, residue mobility, and thermodynamic stability) indicates that this missense variant is not expected to disrupt RBP3 protein function with a negative predictive value of 80%. In summary, the available evidence is currently insufficient to determine the role of this variant in disease. Therefore, it has been classified as a Variant of Uncertain Significance.

NM_002900.3(RBP3):c.3215T>C (p.Met1072Thr)

Gene: RBP3 (retinol binding protein 3; plus strand). Cytogenetic location: 10q11.22.
Variant type: single nucleotide variant.
Coding change: c.3215T>C on transcript NM_002900.3 (MANE Select); coding-DNA position 3215, T replaced by C.
Protein change: p.Met1072Thr; replaces methionine 1072 with threonine.
Molecular consequence: missense variant.
Genome position (GRCh38, 1-based): chr10:47,353,485, T>C. VCF-style: chr10-47353485-T-C. GRCh37 (hg19) VCF-style: chr10-48385877-A-G.
Other names: short protein forms M1072T.
Identifiers: ClinVar variation 1713787 (VCV001713787.5), dbSNP rs1555211798, ClinGen allele CA376676618.